The following is an entry in ClinVar:

ClinVar aggregate classification (germline): Benign (1 of 4 stars; one submission).

Conditions:
Congenital isolated adrenocorticotropic hormone deficiency. Also called: ACTH DEFICIENCY, ISOLATED; ACTH deficiency; Adrenocorticotropic hormone deficiency. Identifiers: Orphanet 199296, MedGen C0342388, MONDO:0008720, OMIM 201400, HP:0011748.

Allele frequency attached by ClinVar (database versions not stated): gnomAD exomes 0.00299; gnomAD 0.02982 and 0.03197; TOPMed 0.03326; 1000 Genomes Project 0.03395; 1000 Genomes Project 30x 0.03404.

Submission:

Illumina Laboratory Services, Illumina
Classification: Benign for Congenital isolated adrenocorticotropic hormone deficiency. Last evaluated: 2018-01-13. Review status: criteria provided, single submitter. Criteria: ICSL Variant Classification Criteria 13 December 2019. Collection method: clinical testing. Allele origin: germline.
Comment: This variant was observed in the ICSL laboratory as part of a predisposition screen in an ostensibly healthy population. It had not been previously curated by ICSL or reported in the Human Gene Mutation Database (HGMD: prior to June 1st, 2018), and was therefore a candidate for classification through an automated scoring system. Utilizing variant allele frequency, disease prevalence and penetrance estimates, and inheritance mode, an automated score was calculated to assess if this variant is too frequent to cause the disease. Based on the score and internal cut-off values, a variant classified as benign is not then subjected to further curation. The score for this variant resulted in a classification of benign for this disease.

NM_005149.3(TBX19):c.*479G>C

Gene: TBX19 (T-box transcription factor 19; plus strand). Cytogenetic location: 1q24.2.
Variant type: single nucleotide variant.
Coding change: c.*479G>C on transcript NM_005149.3 (MANE Select); 479 bases downstream of the stop codon, G replaced by C.
Molecular consequence: 3 prime UTR variant.
Genome position (GRCh38, 1-based): chr1:168,313,481, G>C. VCF-style: chr1-168313481-G-C. GRCh37 (hg19) VCF-style: chr1-168282719-G-C.
Identifiers: ClinVar variation 293491 (VCV000293491.5), dbSNP rs1003315, ClinGen allele CA10608619.